The following is an entry in ClinVar:

NM_001098511.3(KIF2A):c.823C>T (p.Arg275Cys)

Gene: KIF2A (kinesin family member 2A; plus strand). Cytogenetic location: 5q12.1.
Variant type: single nucleotide variant.
Coding change: c.823C>T on transcript NM_001098511.3 (MANE Select); coding-DNA position 823, C replaced by T.
Protein change: p.Arg275Cys; replaces arginine 275 with cysteine.
Molecular consequence: missense variant.
Genome position (GRCh38, 1-based): chr5:62,358,250, C>T. VCF-style: chr5-62358250-C-T. GRCh37 (hg19) VCF-style: chr5-61654077-C-T.
Other names: c.742C>T, p.Arg248Cys (NM_001243952.2); c.766C>T, p.Arg256Cys (NM_001243953.2); c.823C>T, p.Arg275Cys (NM_004520.5); short protein forms R248C, R256C, R275C.
Identifiers: ClinVar variation 4888070 (VCV004888070.1).
Genomic context (GRCh38, chr5:62,358,250, plus strand): 5'-ATGGTACATGAACCAAAACAAAAAGTAGATTTAACAAGGTACCTAGAAAACCAAACATTT[C>T]GTTTTGATTATGCCTTTGATGACTCAGCTCCTAATGAAATGGTTTACAGGTAGGTAAATT-3'
Protein context (NP_001091981.1, residues 265-285): LTRYLENQTF[Arg275Cys]FDYAFDDSAP

ClinVar aggregate classification (germline): Uncertain significance (1 of 4 stars; one submission).

Submission:

GeneDx
Classification: Uncertain significance. Last evaluated: 2026-02-15. Review status: criteria provided, single submitter. Criteria: GeneDx Variant Classification Process June 2021. Collection method: clinical testing. Allele origin: germline.
Comment: De novo variant with confirmed parentage in a patient in published literature from a cohort of individuals with autism; however, detailed clinical information was not provided (PMID: 35982159); Not observed at significant frequency in large population cohorts (gnomAD); In silico analysis supports that this missense variant has a deleterious effect on protein structure/function; This variant is associated with the following publications: (PMID: 35982160, 35982159)